The following is an entry in ClinVar:

NM_152419.3(HGSNAT):c.22dup (p.Leu8fs)

Genes: HGSNAT (heparan-alpha-glucosaminide N-acetyltransferase; plus strand), LOC130000316 (ATAC-STARR-seq lymphoblastoid silent region 19164; plus strand). Cytogenetic location: 8p11.21.
Variant type: Duplication.
Coding change: c.22dup on transcript NM_152419.3 (MANE Select); coding-DNA position 22, one base duplicated (C; older notation c.22dupC).
Protein change: p.Leu8fs; shifts the reading frame from leucine 8.
Molecular consequence: frameshift variant. On other transcripts: 5 prime UTR variant (1).
Genome position (GRCh38, 1-based): chr8:43,140,518, C duplicated. VCF-style (leftmost placement, unchanged base first): chr8-43140517-G-GC. GRCh37 (hg19) VCF-style: chr8-42995660-G-GC.
Other names: c.22dup, p.Leu8fs (NM_001363227.2, NM_001363228.2); c.-812dup (NM_001363229.2); short protein forms L8fs.
Identifiers: ClinVar variation 5012124 (VCV005012124.1).

ClinVar aggregate classification (germline): Pathogenic (1 of 4 stars; one submission).

Conditions:
Mucopolysaccharidosis, MPS-III-C (MPS3C). Also called: SANFILIPPO SYNDROME C; MPS III C; MUCOPOLYSACCHARIDOSIS, TYPE IIIC; Mucopolysaccharidosis type IIIC (Sanfilippo C); mucopolysaccharidosis type 3C; MPS IIIC (Sanfilippo Syndrome Type C). Identifiers: Orphanet 581, Orphanet 79271, MedGen C0086649, MONDO:0009657, OMIM 252930.

Submission:

Myriad Genetics, Inc.
Classification: Pathogenic for Mucopolysaccharidosis, MPS-III-C. Last evaluated: 2023-09-27. Review status: criteria provided, single submitter. Criteria: Myriad Autosomal Dominant, Autosomal Recessive and X-Linked Classification Criteria (2023). Collection method: clinical testing. Allele origin: unknown.
Comment: NM_152419.2(HGSNAT):c.22dupC(L8Pfs*53) is expected to be pathogenic in the context of mucopolysaccharidosis type IIIC. This variant is predicted to lead to an abnormal or absent protein product due to the creation of a premature termination codon in HGSNAT, a gene where loss-of-function variants are known to be pathogenic. Please note: this variant was assessed in the context of healthy population screening.